The following is an entry in ClinVar:

ClinVar aggregate classification (germline): Uncertain significance. Review status: reviewed by expert panel (3 of 4 stars). 3 submissions from 3 submitters: Uncertain significance (1). 2 of the submissions do not count toward it. Last evaluated 2024-10-28.

Conditions:
Mitochondrial disease. Also called: Mitochondrial disorder; Mitochondrial disorders. Identifiers: Orphanet 68380, MedGen C0751651, MeSH D028361, MONDO:0044970.
Leigh syndrome (NULS). Also called: Leigh's necrotizing encephalopathy; Leigh's disease; Leigh Disease; Subacute necrotizing encephalopathy; Necrotizing encephalopathy infantile subacute of Leigh; LEIGH SYNDROME, NUCLEAR. Identifiers: Orphanet 506, MedGen C2931891, MONDO:0009723, OMIM 256000.

Submissions (3):

ClinGen Mitochondrial Disease Nuclear and Mitochondrial  Variant Curation Expert Panel, ClinGen
Classification: Uncertain significance for Mitochondrial disease. Last evaluated: 2024-10-28. Review status: reviewed by expert panel. Criteria: clingen mito disease acmg specifications v1-1. Collection method: curation. Allele origin: germline. Inheritance: Mitochondrial inheritance.
Comment: The variant was present at 87% heteroplasmy in muscle, 88% in buccal mucosa, 78% in urine, and 21% in blood. The variant was also present in asymptomatic family members - 40% in blood from her mother; and 22% in buccal mucosa, 9.5% in urine, and 1.3% in blood from her sister (PP1; PMID: 24118886). This variant is absent in the MITOMAP GenBank dataset, gnomAD v3.1.2, and the Helix dataset (PM2_supporting). The computational predictor APOGEE gives a consensus rating of pathogenic with a score of 0.934 (Min=0, Max=1), which predicts a damaging effect on gene function (PP3). Cybrids with the variant showed reduced cell proliferation in galactose, elevated mitochondrial DNA copy number, increased oxidative phosphorylation protein levels, and decreased mitochondrial membrane potential. Mitochondrial respiratory chain enzyme activities and ATP synthesis were similar between mutant and wild type cybrids (PS3_supporting, PMID: 24118886). In summary, this variant meets criteria to be classified as uncertain significance for primary mitochondrial disease inherited in a mitochondrial manner. This classification was approved by the NICHD/NINDS U24 ClinGen Mitochondrial Disease Variant Curation Expert Panel on October 28, 2024. Mitochondrial DNA-specific ACMG/AMP criteria applied (PMID: 32906214): PP1, PS3_supporting, PM2_supporting, PP3.

Mitochondrial Research Group, Newcastle University
Classification: Pathogenic for Mitochondrial disease. Last evaluated: 2017-05-22. Review status: no assertion criteria provided. Collection method: clinical testing. Allele origin: germline. Affected: yes. Observed: 1 variant allele. Not counted in ClinVar's aggregate classification.

GeneReviews
No classification provided. Condition: Leigh syndrome. Review status: no classification provided. Collection method: literature only. Allele origin: germline. Affected: yes. Not counted in ClinVar's aggregate classification.

Literature cited by the submitters: PubMed 24118886 (cited by ClinGen Mitochondrial Disease Nuclear and Mitochondrial  Variant Curation Expert Panel, ClinGen and GeneReviews).

NC_012920.1(MT-ATP6):m.8839G>C

Gene: MT-ATP6 (mitochondrially encoded ATP synthase 6; plus strand).
Variant type: single nucleotide variant.
Genome position: chrM-8839-G-C.
Identifiers: ClinVar variation 155892 (VCV000155892.4), dbSNP rs1556423547, ClinGen allele CA345921.
Genomic context (GRCh38, chrMT:8,839, plus strand): 5'-CTCGGACTCCTGCCTCACTCATTTACACCAACCACCCAACTATCTATAAACCTAGCCATG[G>C]CCATCCCCTTATGAGCGGGCACAGTGATTATAGGCTTTCGCTCTAAGATTAAAAATGCCC-3'